The following is an entry in ClinVar:

ClinVar aggregate classification (germline): Uncertain significance (1 of 4 stars; one submission).

Submission:

GeneDx
Classification: Uncertain significance. Last evaluated: 2024-05-16. Review status: criteria provided, single submitter. Criteria: GeneDx Variant Classification Process June 2021. Collection method: clinical testing. Allele origin: germline. Affected: yes.
Comment: Not observed at significant frequency in large population cohorts (gnomAD); In silico analysis supports that this missense variant has a deleterious effect on protein structure/function; Has not been previously published as pathogenic or benign to our knowledge

NM_014159.7(SETD2):c.2509G>C (p.Asp837His)

Gene: SETD2 (SET domain containing 2, histone lysine methyltransferase; minus strand). Cytogenetic location: 3p21.31.
Variant type: single nucleotide variant.
Coding change: c.2509G>C on transcript NM_014159.7 (MANE Select); coding-DNA position 2509, G replaced by C.
Protein change: p.Asp837His; replaces aspartic acid 837 with histidine.
Molecular consequence: missense variant. On other transcripts: non-coding transcript variant (1).
Genome position (GRCh38, 1-based): chr3:47,122,127, C>G on the plus strand (G>C on the coding strand, the complement: SETD2 is on the minus strand). VCF-style: chr3-47122127-C-G. GRCh37 (hg19) VCF-style: chr3-47163617-C-G.
Other names: c.2377G>C, p.Asp793His (NM_001349370.3); short protein forms D793H, D837H.
Identifiers: ClinVar variation 3377883 (VCV003377883.1).